The following is an entry in ClinVar:

ClinVar aggregate classification (germline): Uncertain significance. Review status: criteria provided, multiple submitters, no conflicts (2 of 4 stars). 2 submissions from 2 submitters: Uncertain significance (2). Last evaluated 2025-09-05.

Allele frequency attached by ClinVar (database versions not stated): ExAC 0.00004; gnomAD 0.00005; TOPMed 0.00007.

Submissions (2):

Ambry Genetics
Classification: Uncertain significance. Last evaluated: 2025-09-05. Review status: criteria provided, single submitter. Criteria: Ambry Variant Classification Scheme 2023. Collection method: clinical testing. Allele origin: germline.

CeGaT Center for Human Genetics Tuebingen
Classification: Uncertain significance. Last evaluated: 2024-10-01. Review status: criteria provided, single submitter. Criteria: CeGaT Center For Human Genetics Tuebingen Variant Classification Criteria Version 2. Collection method: clinical testing. Allele origin: germline. Affected: yes. Observed: 1 variant allele.
Comment: M1AP: PM2, BP4

NM_001321739.2(M1AP):c.649G>A (p.Val217Ile)

Gene: M1AP (meiosis 1 associated protein; minus strand). Cytogenetic location: 2p13.1.
Variant type: single nucleotide variant.
Coding change: c.649G>A on transcript NM_001321739.2 (MANE Select); coding-DNA position 649, G replaced by A.
Protein change: p.Val217Ile; replaces valine 217 with isoleucine.
Molecular consequence: missense variant.
Genome position (GRCh38, 1-based): chr2:74,581,794, C>T on the plus strand (G>A on the coding strand, the complement: M1AP is on the minus strand). VCF-style: chr2-74581794-C-T. GRCh37 (hg19) VCF-style: chr2-74808921-C-T.
Other names: c.649G>A, p.Val217Ile (NM_001281295.2, NM_001281296.2, NM_138804.5); short protein forms V217I.
Identifiers: ClinVar variation 2377354 (VCV002377354.17), dbSNP rs754324894, ClinGen allele CA1729997.